The following is an entry in ClinVar:

NM_000443.4(ABCB4):c.2341G>C (p.Glu781Gln)

Gene: ABCB4 (ATP binding cassette subfamily B member 4; minus strand). Cytogenetic location: 7q21.12.
Variant type: single nucleotide variant.
Coding change: c.2341G>C on transcript NM_000443.4 (MANE Select); coding-DNA position 2341, G replaced by C.
Protein change: p.Glu781Gln; replaces glutamic acid 781 with glutamine.
Molecular consequence: missense variant.
Genome position (GRCh38, 1-based): chr7:87,420,051, C>G on the plus strand (G>C on the coding strand, the complement: ABCB4 is on the minus strand). VCF-style: chr7-87420051-C-G. GRCh37 (hg19) VCF-style: chr7-87049367-C-G.
Other names: c.2341G>C, p.Glu781Gln (NM_018849.3, NM_018850.3); short protein forms E781Q.
Identifiers: ClinVar variation 3033225 (VCV003033225.2), dbSNP rs1401956029, ClinGen allele CA368062741.

ClinVar aggregate classification (germline): Uncertain significance (0 of 4 stars; one submission).

Conditions:
ABCB4-related disorder. Also called: ABCB4-related disorders; ABCB4-related condition.

Submission:

PreventionGenetics, part of Exact Sciences
Classification: Uncertain significance for ABCB4-related condition. Last evaluated: 2023-11-01. Review status: no assertion criteria provided. Collection method: clinical testing. Allele origin: germline.
Comment: The ABCB4 c.2341G>C variant is predicted to result in the amino acid substitution p.Glu781Gln. To our knowledge, this variant has not been reported in the literature or in a large population database, indicating this variant is rare. At this time, the clinical significance of this variant is uncertain due to the absence of conclusive functional and genetic evidence.